The following is an entry in ClinVar:

ClinVar aggregate classification (germline): Pathogenic (1 of 4 stars; one submission).

Conditions:
Glycogen storage disease, type II (IOPD). Also called: Pompe Disease; CARDIOMEGALIA GLYCOGENICA DIFFUSA; GLYCOGENOSIS, GENERALIZED, CARDIAC FORM; GSD II; POMPE DISEASE, INFANTILE-ONSET; GLYCOGEN STORAGE DISEASE II, INFANTILE-ONSET. Identifiers: Orphanet 365, MedGen C0017921, MONDO:0009290, OMIM 232300.

Submission:

Genomenon, Inc
Classification: Pathogenic for Glycogen storage disease, type II. Last evaluated: 2026-07-01. Review status: criteria provided, single submitter. Criteria: Genomenon Sequence Variant Interpretation Standards - Updated. Collection method: curation. Allele origin: germline. Affected: yes.
Comment: GAA p.Ser447ThrfsTer55 (c.1340_1350del) is a frameshift variant that is predicted to introduce a premature termination codon and result in a truncated or absent protein product. This variant has been observed in at least one proband with a GAA-related disorder (PMID:38715621). It is absent or not present at a significant frequency in gnomAD. In conclusion, we classify GAA p.Ser447ThrfsTer55 (c.1340_1350del) as a pathogenic variant.

Literature cited by the submitters: PubMed 38715621.

NM_000152.5(GAA):c.1340_1350del (p.Ser447fs)

Gene: GAA (alpha glucosidase; plus strand). Cytogenetic location: 17q25.3.
Variant type: Deletion.
Coding change: c.1340_1350del on transcript NM_000152.5 (MANE Select); coding-DNA positions 1340 to 1350, 11 bases deleted (GCAGCTCGGGC).
Protein change: p.Ser447fs; shifts the reading frame from serine 447.
Molecular consequence: frameshift variant.
Genome position (GRCh38, 1-based): chr17:80,109,958-80,109,968, GCAGCTCGGGC deleted. VCF-style (leftmost placement, unchanged base first): chr17-80109957-AGCAGCTCGGGC-A. GRCh37 (hg19) VCF-style: chr17-78083756-AGCAGCTCGGGC-A.
Other names: c.1340_1350del, p.Ser447fs (NM_001079803.3, NM_001079804.3, NM_001406741.1 and 1 more transcripts); short protein forms S447fs.
Identifiers: ClinVar variation 4876252 (VCV004876252.1).